The following is an entry in ClinVar:

ClinVar aggregate classification (germline): Uncertain significance (1 of 4 stars; one submission).

Submission:

Labcorp Genetics (formerly Invitae), Labcorp
Classification: Uncertain significance. Last evaluated: 2022-06-05. Review status: criteria provided, single submitter. Criteria: Invitae Variant Classification Sherloc (09022015). Collection method: clinical testing. Allele origin: germline.
Comment: In summary, the available evidence is currently insufficient to determine the role of this variant in disease. Therefore, it has been classified as a Variant of Uncertain Significance. This sequence change replaces isoleucine, which is neutral and non-polar, with leucine, which is neutral and non-polar, at codon 174 of the POC5 protein (p.Ile174Leu). This variant is not present in population databases (gnomAD no frequency). This variant has not been reported in the literature in individuals affected with POC5-related conditions. Algorithms developed to predict the effect of missense changes on protein structure and function are either unavailable or do not agree on the potential impact of this missense change (SIFT: "Not Available"; PolyPhen-2: "Benign"; Align-GVGD: "Not Available").

NM_001099271.2(POC5):c.520A>C (p.Ile174Leu)

Gene: POC5 (POC5 centriolar protein; minus strand). Cytogenetic location: 5q13.3.
Variant type: single nucleotide variant.
Coding change: c.520A>C on transcript NM_001099271.2 (MANE Select); coding-DNA position 520, A replaced by C.
Protein change: p.Ile174Leu; replaces isoleucine 174 with leucine.
Molecular consequence: missense variant.
Genome position (GRCh38, 1-based): chr5:75,694,825, T>G on the plus strand (A>C on the coding strand, the complement: POC5 is on the minus strand). VCF-style: chr5-75694825-T-G. GRCh37 (hg19) VCF-style: chr5-74990650-T-G.
Other names: c.445A>C, p.Ile149Leu (NM_152408.3); short protein forms I149L, I174L.
Identifiers: ClinVar variation 2090438 (VCV002090438.4), dbSNP rs754248140, ClinGen allele CA360148398.